The following is an entry in ClinVar:

ClinVar aggregate classification (germline): Likely pathogenic (1 of 4 stars; one submission).

Conditions:
Neurodevelopmental disorder with microcephaly and movement abnormalities (NEDMIM). Identifiers: MedGen C5830624, MONDO:0957531, OMIM 620445.

Submission:

First Genomix Gene Laboratory, Genetic Diagnostics Department
Classification: Likely pathogenic for Neurodevelopmental disorder with microcephaly and movement abnormalities. Last evaluated: 2025-09-24. Review status: criteria provided, single submitter. Criteria: ACMG Guidelines, 2015. Collection method: clinical testing. Allele origin: germline. Inheritance: Autosomal recessive inheritance. Affected: no. Observed: 1 variant allele.

NM_001303457.2(TTI1):c.221_224dup (p.Glu76fs)

Gene: TTI1 (TELO2 interacting protein 1; minus strand). Cytogenetic location: 20q11.23.
Variant type: Duplication.
Coding change: c.221_224dup on transcript NM_001303457.2 (MANE Select); coding-DNA positions 221 to 224, 4 bases duplicated (TGGT; older notation c.221_224dupTGGT).
Protein change: p.Glu76fs; shifts the reading frame from glutamic acid 76.
Molecular consequence: frameshift variant.
Genome position (GRCh38, 1-based): chr20:38,013,593-38,013,596, ACCA duplicated on the plus strand (TGGT on the coding strand, the reverse complement: TTI1 is on the minus strand). VCF-style (leftmost placement, unchanged base first): chr20-38013592-C-CACCA. GRCh37 (hg19) VCF-style: chr20-36641994-C-CACCA.
Other names: c.221_224dup, p.Glu76fs (NM_014657.3); short protein forms E76fs.
Identifiers: ClinVar variation 4850461 (VCV004850461.1).